The following is an entry in ClinVar:

ClinVar aggregate classification (germline): Uncertain significance (1 of 4 stars; one submission).

Allele frequency attached by ClinVar (database versions not stated): TOPMed below 0.00001.
gnomAD v4.1: 6 of 1,613,920 alleles (0.00037%); highest among the groups gnomAD compares: Non-Finnish European, 0.00051%; no homozygotes.

Submission:

Labcorp Genetics (formerly Invitae), Labcorp
Classification: Uncertain significance. Last evaluated: 2025-05-05. Review status: criteria provided, single submitter. Criteria: Invitae Variant Classification Sherloc (09022015). Collection method: clinical testing. Allele origin: germline.
Comment: This sequence change replaces threonine, which is neutral and polar, with serine, which is neutral and polar, at codon 78 of the NEK2 protein (p.Thr78Ser). This variant is present in population databases (no rsID available, gnomAD 0.0009%). This variant has not been reported in the literature in individuals affected with NEK2-related conditions. ClinVar contains an entry for this variant (Variation ID: 1467718). An algorithm developed to predict the effect of missense changes on protein structure and function outputs the following: PolyPhen-2: "Benign". The serine amino acid residue is found in multiple mammalian species, which suggests that this missense change does not adversely affect protein function. In summary, the available evidence is currently insufficient to determine the role of this variant in disease. Therefore, it has been classified as a Variant of Uncertain Significance.

NM_002497.4(NEK2):c.233C>G (p.Thr78Ser)

Gene: NEK2 (NIMA related kinase 2; minus strand). Cytogenetic location: 1q32.3.
Variant type: single nucleotide variant.
Coding change: c.233C>G on transcript NM_002497.4 (MANE Select); coding-DNA position 233, C replaced by G.
Protein change: p.Thr78Ser; replaces threonine 78 with serine.
Molecular consequence: missense variant.
Genome position (GRCh38, 1-based): chr1:211,674,377, G>C on the plus strand (C>G on the coding strand, the complement: NEK2 is on the minus strand). VCF-style: chr1-211674377-G-C. GRCh37 (hg19) VCF-style: chr1-211847719-G-C.
Other names: c.233C>G, p.Thr78Ser (NM_001204182.2, NM_001204183.2); short protein forms T78S.
Identifiers: ClinVar variation 1467718 (VCV001467718.8), dbSNP rs1391282322, ClinGen allele CA344785009.